The following is an entry in ClinVar:

ClinVar aggregate classification (germline): Uncertain significance (1 of 4 stars; one submission).

Conditions:
Myopathy, proximal, and ophthalmoplegia (CMYO6). Also called: MYOPATHY WITH CONGENITAL JOINT CONTRACTURES, OPHTHALMOPLEGIA, AND RIMMED VACUOLES; INCLUSION BODY MYOPATHY 3, AUTOSOMAL DOMINANT; CONGENITAL MYOPATHY 6 WITH OPHTHALMOPLEGIA. Identifiers: Orphanet 363677, Orphanet 79091, MedGen C1854106, MONDO:0011577, OMIM 605637.

Submission:

Labcorp Genetics (formerly Invitae), Labcorp
Classification: Uncertain significance for Myopathy, proximal, and ophthalmoplegia. Last evaluated: 2025-02-13. Review status: criteria provided, single submitter. Criteria: Invitae Variant Classification Sherloc (09022015). Collection method: clinical testing. Allele origin: germline.
Comment: This sequence change replaces valine, which is neutral and non-polar, with aspartic acid, which is acidic and polar, at codon 1023 of the MYH2 protein (p.Val1023Asp). This variant is not present in population databases (gnomAD no frequency). This variant has not been reported in the literature in individuals affected with MYH2-related conditions. Invitae Evidence Modeling of protein sequence and biophysical properties (such as structural, functional, and spatial information, amino acid conservation, physicochemical variation, residue mobility, and thermodynamic stability) indicates that this missense variant is expected to disrupt MYH2 protein function with a positive predictive value of 80%. In summary, the available evidence is currently insufficient to determine the role of this variant in disease. Therefore, it has been classified as a Variant of Uncertain Significance.

NM_017534.6(MYH2):c.3068T>A (p.Val1023Asp)

Genes: MYH2 (myosin heavy chain 2; minus strand), MYHAS (myosin heavy chain gene cluster antisense RNA; plus strand). Cytogenetic location: 17p13.1.
Variant type: single nucleotide variant.
Coding change: c.3068T>A on transcript NM_017534.6 (MANE Select); coding-DNA position 3068, T replaced by A.
Protein change: p.Val1023Asp; replaces valine 1023 with aspartic acid.
Molecular consequence: missense variant.
Genome position (GRCh38, 1-based): chr17:10,529,613, A>T on the plus strand (T>A on the coding strand, the complement: MYH2 is on the minus strand). VCF-style: chr17-10529613-A-T. GRCh37 (hg19) VCF-style: chr17-10432930-A-T.
Other names: c.3068T>A, p.Val1023Asp (NM_001100112.2); short protein forms V1023D.
Identifiers: ClinVar variation 3683680 (VCV003683680.2).